The following is an entry in ClinVar:

NM_015915.5(ATL1):c.1109A>G (p.Lys370Arg)

Gene: ATL1 (atlastin GTPase 1; plus strand). Cytogenetic location: 14q22.1.
Variant type: single nucleotide variant.
Coding change: c.1109A>G on transcript NM_015915.5 (MANE Select); coding-DNA position 1109, A replaced by G.
Protein change: p.Lys370Arg; replaces lysine 370 with arginine.
Molecular consequence: missense variant.
Genome position (GRCh38, 1-based): chr14:50,623,238, A>G. VCF-style: chr14-50623238-A-G. GRCh37 (hg19) VCF-style: chr14-51089956-A-G.
Other names: c.1109A>G, p.Lys370Arg (NM_001127713.1, NM_181598.4); short protein forms K370R.
Identifiers: ClinVar variation 1794484 (VCV001794484.3), dbSNP rs2504564410, ClinGen allele CA389674267.

ClinVar aggregate classification (germline): Uncertain significance. Review status: criteria provided, multiple submitters, no conflicts (2 of 4 stars). 2 submissions from 2 submitters: Uncertain significance (2). Last evaluated 2025-05-14.

Conditions:
Inborn genetic diseases. Identifiers: MedGen C0950123, MeSH D030342.
Hereditary spastic paraplegia 3A (SPG3A). Also called: Spastic paraplegia 3A, autosomal dominant; SPASTIC PARAPLEGIA 3, AUTOSOMAL DOMINANT; FAMILIAL SPASTIC PARAPLEGIA, AUTOSOMAL DOMINANT, 1; SPG3; STRUMPELL DISEASE; Spastic Paraplegia 3A. Identifiers: Orphanet 100984, MedGen C2931355, MONDO:0008437, OMIM 182600.

Submissions (2):

Labcorp Genetics (formerly Invitae), Labcorp
Classification: Uncertain significance for Hereditary spastic paraplegia 3A. Last evaluated: 2025-05-14. Review status: criteria provided, single submitter. Criteria: Invitae Variant Classification Sherloc (09022015). Collection method: clinical testing. Allele origin: germline.
Comment: This sequence change replaces lysine, which is basic and polar, with arginine, which is basic and polar, at codon 370 of the ATL1 protein (p.Lys370Arg). This variant is not present in population databases (gnomAD no frequency). This variant has not been reported in the literature in individuals affected with ATL1-related conditions. ClinVar contains an entry for this variant (Variation ID: 1794484). An algorithm developed to predict the effect of missense changes on protein structure and function outputs the following: PolyPhen-2: "Benign". The arginine amino acid residue is found in multiple mammalian species, which suggests that this missense change does not adversely affect protein function. In summary, the available evidence is currently insufficient to determine the role of this variant in disease. Therefore, it has been classified as a Variant of Uncertain Significance.

Ambry Genetics
Classification: Uncertain significance for Inborn genetic diseases. Last evaluated: 2022-05-16. Review status: criteria provided, single submitter. Criteria: Ambry Variant Classification Scheme 2023. Collection method: clinical testing. Allele origin: germline.
Comment: The p.K370R variant (also known as c.1109A>G), located in coding exon 11 of the ATL1 gene, results from an A to G substitution at nucleotide position 1109. The lysine at codon 370 is replaced by arginine, an amino acid with highly similar properties. This amino acid position is conserved. In addition, this alteration is predicted to be tolerated by in silico analysis. Since supporting evidence is limited at this time, the clinical significance of this alteration remains unclear.